The following is an entry in ClinVar:

ClinVar aggregate classification (germline): Pathogenic. Review status: criteria provided, multiple submitters, no conflicts (2 of 4 stars). 3 submissions from 3 submitters: Pathogenic (3). Last evaluated 2024-12-05.

Conditions:
Primary ciliary dyskinesia. Also called: Ciliary dyskinesia. Identifiers: Orphanet 244, MedGen C0008780, MONDO:0016575, HP:0012265.
Primary ciliary dyskinesia 3. Identifiers: Orphanet 244, MedGen C1837618, MONDO:0012085, OMIM 608644.

Allele frequency attached by ClinVar (database versions not stated): gnomAD 0.00001; gnomAD exomes 0.00001.
gnomAD v4.1: 5 of 1,613,714 alleles (0.00031%); highest among the groups gnomAD compares: South Asian, 0.0022%; no homozygotes.

Submissions (3):

Natera, Inc.
Classification: Pathogenic for Primary ciliary dyskinesia. Last evaluated: 2024-12-05. Review status: criteria provided, single submitter. Criteria: Natera Variant Classification Schema (03/2026). Collection method: clinical testing. Allele origin: germline.
Comment: The c.9286C>T variant in DNAH5 is a nonsense variant predicted to introduce a stop codon at amino acid 3096. This variant is expected to result in nonsense mediated decay, truncation, or a dysfunctional protein product. This variant is rare in the general population with a frequency below the threshold expected for the associated phenotype(s). This variant has been observed in one or more individuals affected with the associated recessive disease, as either homozygous or compound heterozygous with a second variant (PMID: 24498942). Additionally, this variant has been observed to segregate in affected family members (PMID: 24498942). Given the available evidence, this variant is classified as Pathogenic.

Myriad Genetics, Inc.
Classification: Pathogenic for Primary ciliary dyskinesia 3. Last evaluated: 2024-05-14. Review status: criteria provided, single submitter. Criteria: Myriad Autosomal Dominant, Autosomal Recessive and X-Linked Classification Criteria (2023). Collection method: clinical testing. Allele origin: unknown.
Comment: NM_001369.2(DNAH5):c.9286C>T(R3096*) is expected to be pathogenic in the context of primary ciliary dyskinesia, DNAH5-related. This variant is predicted to lead to an abnormal or absent protein product due to the creation of a premature termination codon in DNAH5, a gene where loss-of-function variants are known to be pathogenic. Please note: this variant was assessed in the context of healthy population screening.

Labcorp Genetics (formerly Invitae), Labcorp
Classification: Pathogenic for Primary ciliary dyskinesia. Last evaluated: 2023-07-10. Review status: criteria provided, single submitter. Criteria: Invitae Variant Classification Sherloc (09022015). Collection method: clinical testing. Allele origin: germline.
Comment: For these reasons, this variant has been classified as Pathogenic. This premature translational stop signal has been observed in individual(s) with primary ciliary dyskinesia (PMID: 24498942, 32847546). This variant is not present in population databases (gnomAD no frequency). This sequence change creates a premature translational stop signal (p.Arg3096*) in the DNAH5 gene. It is expected to result in an absent or disrupted protein product. Loss-of-function variants in DNAH5 are known to be pathogenic (PMID: 11788826, 16627867).

Literature cited by the submitters: PubMed 24498942 (cited by Natera, Inc. and Labcorp Genetics (formerly Invitae), Labcorp); PubMed 32847546 (cited by Labcorp Genetics (formerly Invitae), Labcorp); PubMed 11788826 (cited by Labcorp Genetics (formerly Invitae), Labcorp); PubMed 16627867 (cited by Labcorp Genetics (formerly Invitae), Labcorp).

NM_001369.3(DNAH5):c.9286C>T (p.Arg3096Ter)

Gene: DNAH5 (dynein axonemal heavy chain 5; minus strand). Cytogenetic location: 5p15.2.
Variant type: single nucleotide variant.
Coding change: c.9286C>T on transcript NM_001369.3 (MANE Select); coding-DNA position 9286, C replaced by T.
Protein change: p.Arg3096Ter; replaces arginine 3096 with a stop codon.
Molecular consequence: nonsense.
Genome position (GRCh38, 1-based): chr5:13,776,526, G>A on the plus strand (C>T on the coding strand, the complement: DNAH5 is on the minus strand). VCF-style: chr5-13776526-G-A. GRCh37 (hg19) VCF-style: chr5-13776635-G-A.
Other names: c.9286C>T (NM_001369.2); short protein forms R3096*.
Identifiers: ClinVar variation 2973140 (VCV002973140.6), dbSNP rs868444911, ClinGen allele CA113937662.